The following is an entry in ClinVar:

NM_024529.5(CDC73):c.1155-122C>G

Gene: CDC73 (cell division cycle 73; plus strand). Cytogenetic location: 1q31.2.
Variant type: single nucleotide variant.
Coding change: c.1155-122C>G on transcript NM_024529.5 (MANE Select); 122 bases into the intron before coding-DNA position 1155, C replaced by G.
Molecular consequence: intron variant.
Genome position (GRCh38, 1-based): chr1:193,232,871, C>G. VCF-style: chr1-193232871-C-G. GRCh37 (hg19) VCF-style: chr1-193202001-C-G.
Identifiers: ClinVar variation 676807 (VCV000676807.2), dbSNP rs10921328, ClinGen allele CA10695866.

ClinVar aggregate classification (germline): Benign. Review status: criteria provided, multiple submitters, no conflicts (2 of 4 stars). 2 submissions from 2 submitters: Benign (2). Last evaluated 2018-06-15.

Allele frequency attached by ClinVar (database versions not stated): 1000 Genomes Project 30x 0.59119; 1000 Genomes Project 0.59145; TOPMed 0.61765; gnomAD 0.62038 and 0.62368; gnomAD exomes 0.66647.
gnomAD v4.1: 521,309 of 791,784 alleles (66%); highest among the groups gnomAD compares: South Asian, 77%; 173,826 homozygotes.

Submissions (2):

GeneDx
Classification: Benign. Last evaluated: 2018-06-15. Review status: criteria provided, single submitter. Criteria: GeneDx Variant Classification (06012015). Collection method: clinical testing. Allele origin: germline. Affected: yes.
Comment: This variant is considered likely benign or benign based on one or more of the following criteria: it is a conservative change, it occurs at a poorly conserved position in the protein, it is predicted to be benign by multiple in silico algorithms, and/or has population frequency not consistent with disease.

Breakthrough Genomics
Classification: Benign. Review status: criteria provided, single submitter. Criteria: ACMG Guidelines, 2015. Collection method: not provided. Allele origin: germline. Inheritance: Autosomal dominant inheritance. Affected: yes.